The following is an entry in ClinVar:

ClinVar aggregate classification (germline): Benign/Likely benign. Review status: criteria provided, multiple submitters, no conflicts (2 of 4 stars). 7 submissions from 7 submitters: Benign (2); Likely benign (2). 3 of the submissions do not count toward it. Last evaluated 2026-06-03.

Conditions:
Growth delay due to insulin-like growth factor I resistance. Also called: Somatomedin end-organ insensitivity to; Somatomedin-c resistance to; IGF-1 resistance; Insulin-Like Growth Factor I Resistance; IGF-I RESISTANCE. Identifiers: Orphanet 73273, MedGen C1849157, MONDO:0010038, OMIM 270450.

Allele frequency attached by ClinVar (database versions not stated): 1000 Genomes Project 30x 0.00125; 1000 Genomes Project 0.00140; gnomAD 0.00240 and 0.00244; gnomAD exomes 0.00247 and 0.00285; ExAC 0.00249; TOPMed 0.00250; ESP Exome Variant Server 0.00269.
gnomAD v4.1: 4,513 of 1,606,590 alleles (0.28%); highest among the groups gnomAD compares: Middle Eastern, 0.38%; 14 homozygotes.

Submissions (7):

Women's Health and Genetics/Laboratory Corporation of America, LabCorp
Classification: Benign. Last evaluated: 2026-06-03. Review status: criteria provided, single submitter. Criteria: LabCorp Variant Classification Summary - May 2015. Collection method: clinical testing. Allele origin: germline.
Comment: Variant summary: IGF1R c.2782+17G>A alters a non-conserved nucleotide located at a position not widely known to affect splicing. Consensus agreement among computation tools predict no significant impact on normal splicing. However, these predictions have yet to be confirmed by functional studies. The variant allele was found at a frequency of 0.0025 in 246790 control chromosomes in the gnomAD database, including 3 homozygotes. The observed variant frequency exceeds the estimated maximal expected allele frequency for disease-causing variants in IGF1R. To our knowledge, no occurrence of c.2782+17G>A in individuals affected with IGF1R-related conditions and no experimental evidence demonstrating its impact on protein function have been reported. ClinVar contains an entry for this variant (Variation ID: 1285018). Based on the evidence outlined above, the variant was classified as benign.

Labcorp Genetics (formerly Invitae), Labcorp
Classification: Benign. Last evaluated: 2026-01-19. Review status: criteria provided, single submitter. Criteria: Invitae Variant Classification Sherloc (09022015). Collection method: clinical testing. Allele origin: germline.

Blueprint Genetics
Classification: Likely benign. Last evaluated: 2024-11-20. Review status: criteria provided, single submitter. Criteria: ACMG Guidelines, 2015. Collection method: clinical testing. Allele origin: germline.

Fulgent Genetics
Classification: Likely benign for Growth delay due to insulin-like growth factor I resistance. Last evaluated: 2022-01-03. Review status: criteria provided, single submitter. Criteria: ACMG Guidelines, 2015. Collection method: clinical testing. Allele origin: unknown.

Clinical Genetics DNA and cytogenetics Diagnostics Lab, Erasmus MC, Erasmus Medical Center
Classification: Benign. Review status: no assertion criteria provided. Collection method: clinical testing. Allele origin: germline. Affected: yes. Study: VKGL Data-share Consensus. Not counted in ClinVar's aggregate classification.

Genome Diagnostics Laboratory, University Medical Center Utrecht
Classification: Likely benign. Review status: no assertion criteria provided. Collection method: clinical testing. Allele origin: germline. Affected: yes. Study: VKGL Data-share Consensus. Not counted in ClinVar's aggregate classification.

Laboratory of Diagnostic Genome Analysis, Leiden University Medical Center (LUMC)
Classification: Likely benign. Review status: no assertion criteria provided. Collection method: clinical testing. Allele origin: germline. Affected: yes. Study: VKGL Data-share Consensus. Not counted in ClinVar's aggregate classification.

NM_000875.5(IGF1R):c.2782+17G>A

Gene: IGF1R (insulin like growth factor 1 receptor; plus strand). Cytogenetic location: 15q26.3.
Variant type: single nucleotide variant.
Coding change: c.2782+17G>A on transcript NM_000875.5 (MANE Select); 17 bases into the intron after coding-DNA position 2782, G replaced by A.
Molecular consequence: intron variant.
Genome position (GRCh38, 1-based): chr15:98,924,701, G>A. VCF-style: chr15-98924701-G-A. GRCh37 (hg19) VCF-style: chr15-99467930-G-A.
Other names: c.2782+17G>A (NM_001291858.2).
Identifiers: ClinVar variation 1285018 (VCV001285018.14), dbSNP rs186895929, ClinGen allele CA7752494.
Genomic context (GRCh38, chr15:98,924,701, plus strand): 5'-TGGGTCGTGGACAGATCCTGTGTTCTTCTATGTCCAGGCCAAAAGTAAGGCTTGTGGAGG[G>A]AGAAGAAACGTGGTAAAACTGAAAGCAGGGTGGTCCAGGATCAGGACAGCCCGAGTGTTC-3'